The following is an entry in ClinVar:

ClinVar aggregate classification (germline): Pathogenic (1 of 4 stars; one submission).

Conditions:
Familial cancer of breast. Also called: BREAST CANCER, FAMILIAL; hereditary breast carcinoma; Hereditary breast cancer. Identifiers: Orphanet 227535, MedGen C0346153, MONDO:0016419, OMIM 114480. Disease mechanism: loss of function.

Submission:

Myriad Genetics, Inc.
Classification: Pathogenic for Familial cancer of breast. Last evaluated: 2023-06-01. Review status: criteria provided, single submitter. Criteria: Myriad Autosomal Dominant, Autosomal Recessive and X-Linked Classification Criteria (2023). Collection method: clinical testing. Allele origin: unknown.
Comment: This variant is considered pathogenic. This variant creates a frameshift predicted to result in premature protein truncation.

NM_032043.3(BRIP1):c.948del (p.His317fs)

Gene: BRIP1 (BRCA1 interacting DNA helicase 1; minus strand). Cytogenetic location: 17q23.2.
Variant type: Deletion.
Coding change: c.948del on transcript NM_032043.3 (MANE Select); coding-DNA position 948, one base deleted (T; older notation c.948delT).
Protein change: p.His317fs; shifts the reading frame from histidine 317.
Molecular consequence: frameshift variant.
Genome position (GRCh38, 1-based): chr17:61,801,445, A deleted on the plus strand (T on the coding strand, the reverse complement: BRIP1 is on the minus strand); the first of 2 consecutive A bases (chr17:61,801,445-61,801,446); deleting either gives the same sequence. VCF-style (leftmost placement, unchanged base first): chr17-61801444-GA-G. GRCh37 (hg19) VCF-style: chr17-59878805-GA-G.
Other names: short protein forms H317fs.
Identifiers: ClinVar variation 2583774 (VCV002583774.2), dbSNP rs2545156541, ClinGen allele CA2582342227.